The following is an entry in ClinVar:

NM_003982.4(SLC7A7):c.659G>A (p.Gly220Asp)

Gene: SLC7A7 (solute carrier family 7 member 7; minus strand). Cytogenetic location: 14q11.2.
Variant type: single nucleotide variant.
Coding change: c.659G>A on transcript NM_003982.4 (MANE Select); coding-DNA position 659, G replaced by A.
Protein change: p.Gly220Asp; replaces glycine 220 with aspartic acid.
Molecular consequence: missense variant.
Genome position (GRCh38, 1-based): chr14:22,778,904, C>T on the plus strand (G>A on the coding strand, the complement: SLC7A7 is on the minus strand). VCF-style: chr14-22778904-C-T. GRCh37 (hg19) VCF-style: chr14-23248113-C-T.
Other names: c.659G>A, p.Gly220Asp (NM_001126105.3, NM_001126106.4); short protein forms G220D.
Identifiers: ClinVar variation 944832 (VCV000944832.9), dbSNP rs2038666045, ClinGen allele CA388924103.

ClinVar aggregate classification (germline): Uncertain significance (1 of 4 stars; one submission).

Conditions:
Lysinuric protein intolerance (LPI). Identifiers: Orphanet 470, MedGen C0268647, MONDO:0009109, OMIM 222700.

Submission:

Labcorp Genetics (formerly Invitae), Labcorp
Classification: Uncertain significance for Lysinuric protein intolerance. Last evaluated: 2023-11-20. Review status: criteria provided, single submitter. Criteria: Invitae Variant Classification Sherloc (09022015). Collection method: clinical testing. Allele origin: germline.
Comment: This sequence change replaces glycine, which is neutral and non-polar, with aspartic acid, which is acidic and polar, at codon 220 of the SLC7A7 protein (p.Gly220Asp). This variant is not present in population databases (gnomAD no frequency). This variant has not been reported in the literature in individuals affected with SLC7A7-related conditions. ClinVar contains an entry for this variant (Variation ID: 944832). An algorithm developed to predict the effect of missense changes on protein structure and function (PolyPhen-2) suggests that this variant is likely to be tolerated. In summary, the available evidence is currently insufficient to determine the role of this variant in disease. Therefore, it has been classified as a Variant of Uncertain Significance.